The following is an entry in ClinVar:

ClinVar aggregate classification (germline): Likely pathogenic. Review status: criteria provided, multiple submitters, no conflicts (2 of 4 stars). 4 submissions from 4 submitters: Likely pathogenic (4). Last evaluated 2026-06-09.

Conditions:
Cardiovascular phenotype. Identifiers: MedGen CN230736.
TTN-related disorder. Also called: TTN-related condition; TTN-related disease; TTN-related disorders.
Autosomal recessive limb-girdle muscular dystrophy type 2J (LGMDR10). Also called: MUSCULAR DYSTROPHY, LIMB-GIRDLE, AUTOSOMAL RECESSIVE 10; Limb-girdle muscular dystrophy, type 2J. Identifiers: Orphanet 140922, MedGen C1837342, MONDO:0012127, OMIM 608807.
Dilated cardiomyopathy 1G (CMD1G). Identifiers: Orphanet 154, MedGen C1858763, MONDO:0011400, OMIM 604145.
Primary dilated cardiomyopathy (DCM). Also called: Dilated Cardiomyopathy. Identifiers: Orphanet 217604, MedGen C0007193, MeSH D002311, MONDO:0005021, HP:0001644. Inheritance: Various modes of inheritance.

Submissions (4):

Clinical Genetics Laboratory, Skane University Hospital Lund
Classification: Likely pathogenic for Primary dilated cardiomyopathy. Last evaluated: 2026-06-09. Review status: criteria provided, single submitter. Criteria: ACMG Guidelines, 2015. Collection method: clinical testing. Allele origin: germline. Affected: yes.
Comment: ACMG criterias used: PVS1, PM2.

Labcorp Genetics (formerly Invitae), Labcorp
Classification: Likely pathogenic for Dilated cardiomyopathy 1G; Autosomal recessive limb-girdle muscular dystrophy type 2J. Last evaluated: 2026-01-19. Review status: criteria provided, single submitter. Criteria: Invitae Variant Classification Sherloc (09022015). Collection method: clinical testing. Allele origin: germline.
Comment: This sequence change creates a premature translational stop signal (p.Phe4650Lysfs*14) in the TTN gene. While this is not anticipated to result in nonsense mediated decay, it is expected to create a truncated TTN protein. This variant is present in population databases (rs767038068, gnomAD 0.0009%). This variant has not been observed in the literature in individuals with autosomal recessive TTN-related conditions. This variant has been reported in individual(s) with atrial fibrillation (PMID: 30535219); however, the role of the variant in this condition is currently unclear. ClinVar contains an entry for this variant (Variation ID: 202512). Algorithms developed to predict the effect of sequence changes on RNA splicing suggest that this variant may disrupt the consensus splice site. This variant is located in the I band of TTN (PMID: 25589632). Truncating variants in this region have been reported in individuals affected with autosomal recessive centronuclear myopathy (PMID: 23975875, internal data). Truncating variants in this region have also been identified in individuals affected with autosomal dominant dilated cardiomyopathy and/or cardio-related conditions (PMID: 27869827, 32964742, internal data). In summary, the currently available evidence indicates that the variant is pathogenic, but additional data are needed to prove that conclusively. Therefore, this variant has been classified as Likely Pathogenic.

Ambry Genetics
Classification: Likely pathogenic for Cardiovascular phenotype. Last evaluated: 2024-01-02. Review status: criteria provided, single submitter. Criteria: Ambry Variant Classification Scheme 2023. Collection method: clinical testing. Allele origin: germline.
Comment: The c.12854_12858dupAAAAG variant, located in coding exon 44 of the TTN gene, results from a duplication of AAAAG at nucleotide position 12854, causing a translational frameshift with a predicted alternate stop codon (p.F4287Kfs*14). This exon is located in the I-band region of the N2-B isoform of the titin protein and is constitutively expressed in TTN transcripts (percent spliced in or PSI 100%). This variant has been reported in an atrial fibrillation cohort (Choi SH et al. JAMA, 2018 Dec;320:2354-2364). This variant is considered to be rare based on population cohorts in the Genome Aggregation Database (gnomAD). In addition to the clinical data presented in the literature, this alteration is expected to result in loss of function by premature protein truncation or nonsense-mediated mRNA decay. While truncating variants in TTN are present in 1-3% of the general population, truncating variants in the A-band are the most common cause of dilated cardiomyopathy (DCM) (Herman DS et al. N. Engl. J. Med., 2012 Feb;366:619-28; Roberts AM et al. Sci Transl Med, 2015 Jan;7:270ra6). TTN truncating variants encoded in constitutive exons (PSI >90%) have been found to be significantly associated with DCM regardless of their position in titin (Schafer S et al. Nat. Genet., 2017 01;49:46-53). Based on the majority of available evidence to date, this variant is likely to be pathogenic.

Blueprint Genetics
Classification: Likely pathogenic for TTN-related disorders. Last evaluated: 2022-11-07. Review status: criteria provided, single submitter. Criteria: ACMG Guidelines, 2015. Collection method: clinical testing. Allele origin: germline. Affected: yes. Observed: 5 variant alleles.

Literature cited by the submitters: PubMed 30535219 (cited by Labcorp Genetics (formerly Invitae), Labcorp and Ambry Genetics); PubMed 25589632 (cited by Labcorp Genetics (formerly Invitae), Labcorp); PubMed 23975875 (cited by Labcorp Genetics (formerly Invitae), Labcorp); PubMed 27869827 (cited by Labcorp Genetics (formerly Invitae), Labcorp); PubMed 32964742 (cited by Labcorp Genetics (formerly Invitae), Labcorp).

NM_001267550.2(TTN):c.13943_13947dup (p.Phe4650fs)

Gene: TTN (titin; minus strand). Cytogenetic location: 2q31.2.
Variant type: Duplication.
Coding change: c.13943_13947dup on transcript NM_001267550.2 (MANE Select); coding-DNA positions 13943 to 13947, 5 bases duplicated (AAAAG; older notation c.13943_13947dupAAAAG).
Protein change: p.Phe4650fs; shifts the reading frame from phenylalanine 4650.
Molecular consequence: frameshift variant. On other transcripts: intron variant (1).
Genome position (GRCh38, 1-based): chr2:178,739,286-178,739,290, CTTTT duplicated on the plus strand (AAAAG on the coding strand, the reverse complement: TTN is on the minus strand); duplicating any 5 consecutive bases within chr2:178,739,286-178,739,291 gives the same sequence; the c. name uses the placement nearest the transcript's 3' end. VCF-style (leftmost placement, unchanged base first): chr2-178739285-A-ACTTTT. GRCh37 (hg19) VCF-style: chr2-179604012-A-ACTTTT.
Other names: c.12854_12858dupAAAAG (NM_003319.4); c.12992_12996dupAAAAG (NM_001256850.1); c.13943_13947dupAAAAG (NM_001267550.2); c.12992_12996dup, p.Phe4333fs (NM_001256850.1); c.12854_12858dup, p.Phe4287fs (NM_003319.4); c.13229_13233dup, p.Phe4412fs (NM_133432.3); c.13430_13434dup, p.Phe4479fs (NM_133437.4); c.10361-930_10361-926dup (NM_133378.4); short protein forms F4287fs, F4412fs, F4333fs, F4479fs, F4650fs.
Identifiers: ClinVar variation 202512 (VCV000202512.12), dbSNP rs767038068, ClinGen allele CA309481.